The following is an entry in ClinVar:

NM_014336.5(AIPL1):c.784+4C>T

Gene: AIPL1 (AIP like 1 HSP90 co-chaperone; minus strand). Cytogenetic location: 17p13.2.
Variant type: single nucleotide variant.
Coding change: c.784+4C>T on transcript NM_014336.5 (MANE Select); 4 bases into the intron after coding-DNA position 784, C replaced by T.
Molecular consequence: intron variant. On other transcripts: missense variant (1).
Genome position (GRCh38, 1-based): chr17:6,426,611, G>A on the plus strand (C>T on the coding strand, the complement: AIPL1 is on the minus strand). VCF-style: chr17-6426611-G-A. GRCh37 (hg19) VCF-style: chr17-6329931-G-A.
Other names: c.764C>T, p.Ala255Val (NM_001285403.4); c.604+4C>T (NM_001033055.3); c.718+4C>T (NM_001285400.3); c.748+4C>T (NM_001285399.3); c.595+4C>T (NM_001033054.3); c.712+4C>T (NM_001285401.3); c.667+4C>T (NM_001285402.2); short protein forms A255V.
Identifiers: ClinVar variation 968735 (VCV000968735.9), dbSNP rs375600133, ClinGen allele CA8328402.
Genomic context (GRCh38, chr17:6,426,611, plus strand): 5'-GCAGGTGTCTCCGTGGCCCTGGGCTGGGCGCCCCCTCACTGTCCGCCCCTGCAGCCCCGC[G>A]CACCTGGGTGGTGCCGGAGAATATCACTGGTGTGCTCCAGCACCTCATAGTACTCCTCCT-3'

ClinVar aggregate classification (germline): Uncertain significance. Review status: criteria provided, multiple submitters, no conflicts (2 of 4 stars). 2 submissions from 2 submitters: Uncertain significance (2). Last evaluated 2025-01-29.

Conditions:
Leber congenital amaurosis 4 (LCA4). Identifiers: MedGen C1858386, MONDO:0011458, OMIM 604393.

Allele frequency attached by ClinVar (database versions not stated): ExAC 0.00001; gnomAD exomes 0.00002; gnomAD 0.00006; ESP Exome Variant Server 0.00008; TOPMed 0.00009.
gnomAD v4.1: 34 of 1,613,426 alleles (0.0021%); highest among the groups gnomAD compares: African/African-American, 0.024%; no homozygotes.

Submissions (2):

Women's Health and Genetics/Laboratory Corporation of America, LabCorp
Classification: Uncertain significance. Last evaluated: 2025-01-29. Review status: criteria provided, single submitter. Criteria: LabCorp Variant Classification Summary - May 2015. Collection method: clinical testing. Allele origin: germline.

Labcorp Genetics (formerly Invitae), Labcorp
Classification: Uncertain significance for Leber congenital amaurosis 4. Last evaluated: 2022-08-22. Review status: criteria provided, single submitter. Criteria: Invitae Variant Classification Sherloc (09022015). Collection method: clinical testing. Allele origin: germline.
Comment: This sequence change falls in intron 5 of the AIPL1 gene. It does not directly change the encoded amino acid sequence of the AIPL1 protein. It affects a nucleotide within the consensus splice site. This variant is present in population databases (rs375600133, gnomAD 0.02%). This variant has not been reported in the literature in individuals affected with AIPL1-related conditions. ClinVar contains an entry for this variant (Variation ID: 968735). Variants that disrupt the consensus splice site are a relatively common cause of aberrant splicing (PMID: 17576681, 9536098). Algorithms developed to predict the effect of sequence changes on RNA splicing suggest that this variant may create or strengthen a splice site. In summary, the available evidence is currently insufficient to determine the role of this variant in disease. Therefore, it has been classified as a Variant of Uncertain Significance.

Literature cited by the submitters: PubMed 17576681 (cited by Labcorp Genetics (formerly Invitae), Labcorp); PubMed 9536098 (cited by Labcorp Genetics (formerly Invitae), Labcorp).